The following is an entry in ClinVar:

NM_000642.3(AGL):c.4405A>G (p.Met1469Val)

Gene: AGL (amylo-alpha-1,6-glucosidase and 4-alpha-glucanotransferase; plus strand). Cytogenetic location: 1p21.2.
Variant type: single nucleotide variant.
Coding change: c.4405A>G on transcript NM_000642.3 (MANE Select); coding-DNA position 4405, A replaced by G.
Protein change: p.Met1469Val; replaces methionine 1469 with valine.
Molecular consequence: missense variant.
Genome position (GRCh38, 1-based): chr1:99,916,655, A>G. VCF-style: chr1-99916655-A-G. GRCh37 (hg19) VCF-style: chr1-100382211-A-G.
Other names: c.4405A>G, p.Met1469Val (NM_000028.3, NM_000643.3, NM_000644.3 and 1 more transcripts); c.4357A>G, p.Met1453Val (NM_000646.3); c.4384A>G, p.Met1462Val (NM_001425326.1); c.4204A>G, p.Met1402Val (NM_001425327.1); c.4201A>G, p.Met1401Val (NM_001425328.1); c.4066A>G, p.Met1356Val (NM_001425329.1); c.4027A>G, p.Met1343Val (NM_001425332.1); short protein forms M1469V, M1453V, M1343V, M1356V, M1401V, M1402V, M1462V.
Identifiers: ClinVar variation 581218 (VCV000581218.4), dbSNP rs747171944, ClinGen allele CA967435.
Genomic context (GRCh38, chr1:99,916,655, plus strand): 5'-TAGGAGTGGCTGTGGCCTATTGGGTATTTTCTTCGTGCAAAATTATATTTTTCCAGATTG[A>G]TGGGCCCGGAGACTACTGCAAAGACTATAGTTTTGGTTAAAAATGTTCTTTCCCGACATT-3'
Protein context (NP_000633.2, residues 1459-1479): LRAKLYFSRL[Met1469Val]GPETTAKTIV

ClinVar aggregate classification (germline): Uncertain significance (1 of 4 stars; one submission).

Conditions:
Glycogen storage disease type III (GSD3). Also called: Cori disease; FORBES DISEASE. Identifiers: Orphanet 366, MedGen C0017922, MONDO:0009291, OMIM 232400.

Allele frequency attached by ClinVar (database versions not stated): ExAC 0.00001; gnomAD exomes below 0.00001.

Submission:

Labcorp Genetics (formerly Invitae), Labcorp
Classification: Uncertain significance for Glycogen storage disease type III. Last evaluated: 2018-05-24. Review status: criteria provided, single submitter. Criteria: Invitae Variant Classification Sherloc (09022015). Collection method: clinical testing. Allele origin: germline.
Comment: In summary, the available evidence is currently insufficient to determine the role of this variant in disease. Therefore, it has been classified as a Variant of Uncertain Significance. Algorithms developed to predict the effect of sequence changes on RNA splicing suggest that this variant may create or strengthen a splice site, but this prediction has not been confirmed by published transcriptional studies. Algorithms developed to predict the effect of missense changes on protein structure and function (SIFT, PolyPhen-2, Align-GVGD) all suggest that this variant is likely to be tolerated, but these predictions have not been confirmed by published functional studies and their clinical significance is uncertain. This variant has not been reported in the literature in individuals with AGL-related disease. This variant is present in population databases (rs747171944, ExAC 0.002%). This sequence change replaces methionine with valine at codon 1469 of the AGL protein (p.Met1469Val). The methionine residue is moderately conserved and there is a small physicochemical difference between methionine and valine.